The following is an entry in ClinVar:

NM_144643.4(SCLT1):c.1571G>A (p.Arg524Gln)

Gene: SCLT1 (sodium channel and clathrin linker 1; minus strand). Cytogenetic location: 4q28.2.
Variant type: single nucleotide variant.
Coding change: c.1571G>A on transcript NM_144643.4 (MANE Select); coding-DNA position 1571, G replaced by A.
Protein change: p.Arg524Gln; replaces arginine 524 with glutamine.
Molecular consequence: missense variant.
Genome position (GRCh38, 1-based): chr4:128,943,057, C>T on the plus strand (G>A on the coding strand, the complement: SCLT1 is on the minus strand). VCF-style: chr4-128943057-C-T. GRCh37 (hg19) VCF-style: chr4-129864212-C-T.
Other names: short protein forms R524Q.
Identifiers: ClinVar variation 1436541 (VCV001436541.6), dbSNP rs1312635867, ClinGen allele CA358186070.

ClinVar aggregate classification (germline): Uncertain significance (1 of 4 stars; one submission).

Allele frequency attached by ClinVar (database versions not stated): gnomAD 0.00001; gnomAD exomes 0.00001.
gnomAD v4.1: 13 of 1,613,176 alleles (0.00081%); highest among the groups gnomAD compares: East Asian, 0.0022%; no homozygotes.

Submission:

Labcorp Genetics (formerly Invitae), Labcorp
Classification: Uncertain significance. Last evaluated: 2022-06-04. Review status: criteria provided, single submitter. Criteria: Invitae Variant Classification Sherloc (09022015). Collection method: clinical testing. Allele origin: germline.
Comment: This sequence change replaces arginine, which is basic and polar, with glutamine, which is neutral and polar, at codon 524 of the SCLT1 protein (p.Arg524Gln). This variant is not present in population databases (gnomAD no frequency). This variant has not been reported in the literature in individuals affected with SCLT1-related conditions. ClinVar contains an entry for this variant (Variation ID: 1436541). Algorithms developed to predict the effect of missense changes on protein structure and function output the following: SIFT: "Tolerated"; PolyPhen-2: "Benign"; Align-GVGD: "Class C0". The glutamine amino acid residue is found in multiple mammalian species, which suggests that this missense change does not adversely affect protein function. In summary, the available evidence is currently insufficient to determine the role of this variant in disease. Therefore, it has been classified as a Variant of Uncertain Significance.